The following is an entry in ClinVar:

ClinVar aggregate classification (germline): Uncertain significance (1 of 4 stars; one submission).

Conditions:
Perlman syndrome (PRLMNS). Identifiers: Orphanet 2849, MedGen C0796113, MONDO:0009965, OMIM 267000.

Submission:

Labcorp Genetics (formerly Invitae), Labcorp
Classification: Uncertain significance for Perlman syndrome. Last evaluated: 2018-04-12. Review status: criteria provided, single submitter. Criteria: Invitae Variant Classification Sherloc (09022015). Collection method: clinical testing. Allele origin: germline.
Comment: This sequence change replaces arginine with threonine at codon 372 of the DIS3L2 protein (p.Arg372Thr). The arginine residue is moderately conserved and there is a moderate physicochemical difference between arginine and threonine. This variant is not present in population databases (ExAC no frequency). This variant has not been reported in the literature in individuals with DIS3L2-related disease. ClinVar contains an entry for this variant (Variation ID: 463047). Algorithms developed to predict the effect of missense changes on protein structure and function do not agree on the potential impact of this missense change (SIFT: "Deleterious"; PolyPhen-2: "Probably Damaging"; Align-GVGD: "Class C0"). In summary, the available evidence is currently insufficient to determine the role of this variant in disease. Therefore, it has been classified as a Variant of Uncertain Significance.

NM_152383.5(DIS3L2):c.1115G>C (p.Arg372Thr)

Gene: DIS3L2 (DIS3 like 3'-5' exoribonuclease 2; plus strand). Cytogenetic location: 2q37.1.
Variant type: single nucleotide variant.
Coding change: c.1115G>C on transcript NM_152383.5 (MANE Select); coding-DNA position 1115, G replaced by C.
Protein change: p.Arg372Thr; replaces arginine 372 with threonine.
Molecular consequence: missense variant. On other transcripts: non-coding transcript variant (2).
Genome position (GRCh38, 1-based): chr2:232,163,623, G>C. VCF-style: chr2-232163623-G-C. GRCh37 (hg19) VCF-style: chr2-233028333-G-C.
Other names: c.1115G>C, p.Arg372Thr (NM_001257281.2); short protein forms R372T.
Identifiers: ClinVar variation 463047 (VCV000463047.8), dbSNP rs1553612391, ClinGen allele CA351154513.